The following is an entry in ClinVar:

NM_032578.4(MYPN):c.3078G>A (p.Gly1026=)

Gene: MYPN (myopalladin; plus strand). Cytogenetic location: 10q21.3.
Variant type: single nucleotide variant.
Coding change: c.3078G>A on transcript NM_032578.4 (MANE Select); coding-DNA position 3078, G replaced by A.
Protein change: p.Gly1026=; no amino-acid change (glycine 1026 retained).
Molecular consequence: synonymous variant. On other transcripts: non-coding transcript variant (2).
Genome position (GRCh38, 1-based): chr10:68,195,452, G>A. VCF-style: chr10-68195452-G-A. GRCh37 (hg19) VCF-style: chr10-69955209-G-A.
Other names: p.G1026G:GGG>GGA; p.Gly1026=; c.3078G>A, p.Gly1026= (NM_001256267.2); c.2196G>A, p.Gly732= (NM_001256268.2).
Identifiers: ClinVar variation 138423 (VCV000138423.41), dbSNP rs114479328, ClinGen allele CA333124.
Genomic context (GRCh38, chr10:68,195,452, plus strand): 5'-AAATTGAAAAAATGTGAGATTGTTCTTGTTTTAATCTTGCTCTTTTTCTGTTTGTCAGGG[G>A]AGAATCAGCTGTTCTGGCCACTTGATGGTACAAAGTTTGCCCATTCGCAGTCGGCTAACC-3'
Protein context (NP_115967.2, residues 1016-1036): NYTIMAANPQ[Gly1026=]RISCSGHLMV

ClinVar aggregate classification (germline): Benign/Likely benign. Review status: criteria provided, multiple submitters, no conflicts (2 of 4 stars). 13 submissions from 13 submitters: Benign (8); Likely benign (2). 3 of the submissions do not count toward it. Last evaluated 2026-01-31.

Conditions:
Cardiovascular phenotype. Identifiers: MedGen CN230736.
Dilated cardiomyopathy 1KK (CMD1KK). Identifiers: Orphanet 154, Orphanet 75249, MedGen C3714995, MONDO:0014100, OMIM 615248.

Allele frequency attached by ClinVar (database versions not stated): gnomAD exomes 0.00037 and 0.00089; ExAC 0.00110; gnomAD 0.00359 and 0.00385; TOPMed 0.00391; ESP Exome Variant Server 0.00438; 1000 Genomes Project 30x 0.00468; 1000 Genomes Project 0.00479.
gnomAD v4.1: 1,112 of 1,613,836 alleles (0.069%); highest among the groups gnomAD compares: African/African-American, 1.3%; 7 homozygotes.

Submissions (13):

Labcorp Genetics (formerly Invitae), Labcorp
Classification: Benign for Dilated cardiomyopathy 1KK. Last evaluated: 2026-01-31. Review status: criteria provided, single submitter. Criteria: Invitae Variant Classification Sherloc (09022015). Collection method: clinical testing. Allele origin: germline.

CeGaT Center for Human Genetics Tuebingen
Classification: Likely benign. Last evaluated: 2025-07-01. Review status: criteria provided, single submitter. Criteria: CeGaT Center For Human Genetics Tuebingen Variant Classification Criteria Version 2. Collection method: clinical testing. Allele origin: germline. Affected: yes. Observed: 1 variant allele.
Comment: MYPN: BP4, BS1

Women's Health and Genetics/Laboratory Corporation of America, LabCorp
Classification: Benign. Last evaluated: 2024-11-15. Review status: criteria provided, single submitter. Criteria: LabCorp Variant Classification Summary - May 2015. Collection method: clinical testing. Allele origin: germline.

Blueprint Genetics
Classification: Likely benign. Last evaluated: 2024-05-28. Review status: criteria provided, single submitter. Criteria: ACMG Guidelines, 2015. Collection method: clinical testing. Allele origin: germline.

Mayo Clinic Laboratories, Mayo Clinic
Classification: Benign. Last evaluated: 2024-03-21. Review status: criteria provided, single submitter. Criteria: ACMG Guidelines, 2015. Collection method: clinical testing. Allele origin: germline. Observed: 7 variant alleles.
Comment: BS1, BS2, BP4, BP7

ARUP Laboratories, Molecular Genetics and Genomics, ARUP Laboratories
Classification: Benign. Last evaluated: 2021-11-09. Review status: criteria provided, single submitter. Criteria: ARUP Molecular Germline Variant Investigation Process 2021. Collection method: clinical testing. Allele origin: germline.

Ambry Genetics
Classification: Benign for Cardiovascular phenotype. Last evaluated: 2015-08-13. Review status: criteria provided, single submitter. Criteria: Ambry Variant Classification Scheme 2023. Collection method: clinical testing. Allele origin: germline.

Laboratory for Molecular Medicine, Mass General Brigham Personalized Medicine
Classification: Benign. Last evaluated: 2014-11-24. Review status: criteria provided, single submitter. Criteria: LMM Criteria. Collection method: clinical testing. Allele origin: germline. Observed: 1 variant allele.
Comment: Gly1026Gly in exon 16 of MYPN: This variant is not expected to have clinical sig nificance because it does not alter an amino acid residue and is not located wit hin the splice consensus sequence. It has been identified in 1.3% (57/4406) of A frican American chromosomes from a broad population by the NHLBI Exome Sequencin g Project (dbSNP rs114479328).

GeneDx
Classification: Benign. Last evaluated: 2014-03-18. Review status: criteria provided, single submitter. Criteria: GeneDx Variant Classification (06012015). Collection method: clinical testing. Allele origin: germline. Affected: yes.
Comment: This variant is considered likely benign or benign based on one or more of the following criteria: it is a conservative change, it occurs at a poorly conserved position in the protein, it is predicted to be benign by multiple in silico algorithms, and/or has population frequency not consistent with disease.

Breakthrough Genomics
Classification: Benign. Review status: criteria provided, single submitter. Criteria: ACMG Guidelines, 2015. Collection method: not provided. Allele origin: germline. Inheritance: Autosomal recessive inheritance. Affected: yes.

Clinical Genetics, Academic Medical Center
Classification: Benign. Review status: no assertion criteria provided. Collection method: clinical testing. Allele origin: germline. Affected: yes. Study: VKGL Data-share Consensus. Not counted in ClinVar's aggregate classification.

Genome Diagnostics Laboratory, University Medical Center Utrecht
Classification: Benign. Review status: no assertion criteria provided. Collection method: clinical testing. Allele origin: germline. Affected: yes. Study: VKGL Data-share Consensus. Not counted in ClinVar's aggregate classification.

Joint Genome Diagnostic Labs from Nijmegen and Maastricht, Radboudumc and MUMC+
Classification: Benign. Review status: no assertion criteria provided. Collection method: clinical testing. Allele origin: germline. Affected: yes. Study: VKGL Data-share Consensus. Not counted in ClinVar's aggregate classification.